The following is an entry in ClinVar:

NM_001127178.3(PIGG):c.990T>C (p.Ser330=)

Gene: PIGG (phosphatidylinositol glycan anchor biosynthesis class G (EMM blood group); plus strand). Cytogenetic location: 4p16.3.
Variant type: single nucleotide variant.
Coding change: c.990T>C on transcript NM_001127178.3 (MANE Select); coding-DNA position 990, T replaced by C.
Protein change: p.Ser330=; no amino-acid change (serine 330 retained).
Molecular consequence: synonymous variant. On other transcripts: 5 prime UTR variant (4), non-coding transcript variant (10).
Genome position (GRCh38, 1-based): chr4:516,061, T>C. VCF-style: chr4-516061-T-C. GRCh37 (hg19) VCF-style: chr4-509850-T-C.
Other names: p.Ser330=; c.723T>C, p.Ser241= (NM_001289051.2, NM_001289053.2, NM_001289057.2 and 2 more transcripts); c.591T>C, p.Ser197= (NM_001289052.2); c.624T>C, p.Ser208= (NM_001289055.2); c.-40T>C (NM_001345988.2); c.990T>C, p.Ser330= (NM_001345989.2, NM_017733.5); c.-636T>C (NM_001345990.2); c.-498T>C (NM_001345991.2); and 1 more.
Identifiers: ClinVar variation 476358 (VCV000476358.14), dbSNP rs11726338, ClinGen allele CA2793174.

ClinVar aggregate classification (germline): Benign/Likely benign. Review status: criteria provided, multiple submitters, no conflicts (2 of 4 stars). 4 submissions from 4 submitters: Benign (2); Likely benign (2). Last evaluated 2026-02-03.

Conditions:
Intellectual disability, autosomal recessive 53 (NEDHSCA). Also called: GLYCOSYLPHOSPHATIDYLINOSITOL BIOSYNTHESIS DEFECT 13; Mental retardation, autosomal recessive 53; NEURODEVELOPMENTAL DISORDER WITH OR WITHOUT HYPOTONIA, SEIZURES, AND CEREBELLAR ATROPHY. Identifiers: Orphanet 488635, MedGen C4310794, MONDO:0014832, OMIM 616917.

Allele frequency attached by ClinVar (database versions not stated): 1000 Genomes Project 0.02057; gnomAD exomes 0.02098 and 0.02601; 1000 Genomes Project 30x 0.02124; ExAC 0.02207; gnomAD 0.02486 and 0.02569; TOPMed 0.02528; ESP Exome Variant Server 0.02722.
gnomAD v4.1: 41,756 of 1,613,996 alleles (2.6%); highest among the groups gnomAD compares: Non-Finnish European, 2.9%; 580 homozygotes.

Submissions (4):

Labcorp Genetics (formerly Invitae), Labcorp
Classification: Benign for Intellectual disability, autosomal recessive 53. Last evaluated: 2026-02-03. Review status: criteria provided, single submitter. Criteria: Invitae Variant Classification Sherloc (09022015). Collection method: clinical testing. Allele origin: germline.

Mayo Clinic Laboratories, Mayo Clinic
Classification: Benign. Last evaluated: 2022-08-11. Review status: criteria provided, single submitter. Criteria: ACMG Guidelines, 2015. Collection method: clinical testing. Allele origin: germline. Observed: 9 variant alleles.
Comment: BS1, BS2, BP4, BP7

GeneDx
Classification: Likely benign. Last evaluated: 2021-03-31. Review status: criteria provided, single submitter. Criteria: GeneDx Variant Classification Process June 2021. Collection method: clinical testing. Allele origin: germline. Affected: yes.

Breakthrough Genomics
Classification: Likely benign. Review status: criteria provided, single submitter. Criteria: ACMG Guidelines, 2015. Collection method: not provided. Allele origin: germline. Inheritance: Autosomal recessive inheritance. Affected: yes.